The following is an entry in ClinVar:

ClinVar aggregate classification (germline): Conflicting classifications of pathogenicity. Review status: criteria provided, conflicting classifications (1 of 4 stars). 3 submissions from 3 submitters: Uncertain significance (1); Likely benign (2). Last evaluated 2026-01-27.

Conditions:
Congenital hyperammonemia, type I. Also called: Carbamoyl-phosphate synthase I deficiency; CPS I DEFICIENCY; Carbamoyl phosphate synthetase 1 deficiency; Hyperammonemia due to carbamoyl phosphate synthetase 1 deficiency; CPS 1 deficiency; Carbamyl phosphate synthetase (CPS) deficiency. Identifiers: Orphanet 147, MedGen C4082171, MONDO:0009376, OMIM 237300.

Allele frequency attached by ClinVar (database versions not stated): gnomAD 0.00004 and 0.00007; TOPMed 0.00006; gnomAD exomes 0.00010 and 0.00018; 1000 Genomes Project 0.00020; ExAC 0.00026; 1000 Genomes Project 30x 0.00031.
gnomAD v4.1: 171 of 1,612,548 alleles (0.011%); highest among the groups gnomAD compares: Middle Eastern, 0.12%; 3 homozygotes.

Submissions (3):

Labcorp Genetics (formerly Invitae), Labcorp
Classification: Likely benign for Congenital hyperammonemia, type I. Last evaluated: 2026-01-27. Review status: criteria provided, single submitter. Criteria: Invitae Variant Classification Sherloc (09022015). Collection method: clinical testing. Allele origin: germline.

Illumina Laboratory Services, Illumina
Classification: Uncertain significance for Congenital hyperammonemia, type I. Last evaluated: 2018-01-13. Review status: criteria provided, single submitter. Criteria: ICSL Variant Classification Criteria 13 December 2019. Collection method: clinical testing. Allele origin: germline.

GeneDx
Classification: Likely benign. Last evaluated: 2016-07-29. Review status: criteria provided, single submitter. Criteria: GeneDx Variant Classification (06012015). Collection method: clinical testing. Allele origin: germline. Affected: yes.
Comment: This variant is considered likely benign or benign based on one or more of the following criteria: it is a conservative change, it occurs at a poorly conserved position in the protein, it is predicted to be benign by multiple in silico algorithms, and/or has population frequency not consistent with disease.

NM_001875.5(CPS1):c.712-11C>T

Gene: CPS1 (carbamoyl-phosphate synthase 1; plus strand). Cytogenetic location: 2q34.
Variant type: single nucleotide variant.
Coding change: c.712-11C>T on transcript NM_001875.5 (MANE Select); 11 bases into the intron before coding-DNA position 712, C replaced by T.
Molecular consequence: intron variant.
Genome position (GRCh38, 1-based): chr2:210,590,095, C>T. VCF-style: chr2-210590095-C-T. GRCh37 (hg19) VCF-style: chr2-211454819-C-T.
Other names: c.712-11C>T (NM_001369257.1, NM_001122633.3, LRG_336t1); c.745-11C>T (NM_001369256.1).
Identifiers: ClinVar variation 387745 (VCV000387745.12), dbSNP rs561995236, ClinGen allele CA2086120.